The following is an entry in ClinVar:

ClinVar aggregate classification (germline): Uncertain significance (1 of 4 stars; one submission).

Allele frequency attached by ClinVar (database versions not stated): ExAC 0.00001.
gnomAD v4.1: 2 of 1,614,056 alleles (0.00012%); highest among the groups gnomAD compares: Admixed American, 0.0017%; no homozygotes.

Submission:

Labcorp Genetics (formerly Invitae), Labcorp
Classification: Uncertain significance. Last evaluated: 2025-07-14. Review status: criteria provided, single submitter. Criteria: Invitae Variant Classification Sherloc (09022015). Collection method: clinical testing. Allele origin: germline.
Comment: This sequence change falls in intron 9 of the NCSTN gene. It does not directly change the encoded amino acid sequence of the NCSTN protein. It affects a nucleotide within the consensus splice site. This variant is present in population databases (rs761044931, gnomAD 0.0009%). This variant has not been reported in the literature in individuals affected with NCSTN-related conditions. ClinVar contains an entry for this variant (Variation ID: 1023890). Variants that disrupt the consensus splice site are a relatively common cause of aberrant splicing (PMID: 17576681, 9536098). Algorithms developed to predict the effect of sequence changes on RNA splicing suggest that this variant is not likely to affect RNA splicing. In summary, the available evidence is currently insufficient to determine the role of this variant in disease. Therefore, it has been classified as a Variant of Uncertain Significance.

Literature cited by the submitters: PubMed 17576681; PubMed 9536098.

NM_015331.3(NCSTN):c.1102-3C>T

Gene: NCSTN (nicastrin; plus strand). Cytogenetic location: 1q23.2.
Variant type: single nucleotide variant.
Coding change: c.1102-3C>T on transcript NM_015331.3 (MANE Select); 3 bases into the intron before coding-DNA position 1102, C replaced by T.
Molecular consequence: intron variant.
Genome position (GRCh38, 1-based): chr1:160,353,157, C>T. VCF-style: chr1-160353157-C-T. GRCh37 (hg19) VCF-style: chr1-160322947-C-T.
Other names: c.1042-3C>T (NM_001290184.2); c.1102-3C>T (NM_001349729.2); c.688-3C>T (NM_001290186.2).
Identifiers: ClinVar variation 1023890 (VCV001023890.6), dbSNP rs761044931, ClinGen allele CA1198908.
Genomic context (GRCh38, chr1:160,353,157, plus strand): 5'-CCCCTAGGCATGGCCCAGAACAGGAGACTGATTCTAAGTGTTGTTTCTTCATCCTCCCCC[C>T]AGGTGGCCTTAAGAACTTCATTAGAGCTTTGGATGCACACAGATCCTGTTTCTCAGAAAA-3'